The following is an entry in ClinVar:

NM_002692.4(POLE2):c.109A>G (p.Ser37Gly)

Gene: POLE2 (DNA polymerase epsilon 2, accessory subunit; minus strand). Cytogenetic location: 14q21.3.
Variant type: single nucleotide variant.
Coding change: c.109A>G on transcript NM_002692.4 (MANE Select); coding-DNA position 109, A replaced by G.
Protein change: p.Ser37Gly; replaces serine 37 with glycine.
Molecular consequence: missense variant. On other transcripts: 5 prime UTR variant (1).
Genome position (GRCh38, 1-based): chr14:49,683,653, T>C on the plus strand (A>G on the coding strand, the complement: POLE2 is on the minus strand). VCF-style: chr14-49683653-T-C. GRCh37 (hg19) VCF-style: chr14-50150371-T-C.
Other names: c.109A>G, p.Ser37Gly (NM_001197330.2, NM_001197331.3, NM_001348384.2); c.-127A>G (NM_001348385.2); short protein forms S37G.
Identifiers: ClinVar variation 2267248 (VCV002267248.4), dbSNP rs2502941830, ClinGen allele CA389616447.

ClinVar aggregate classification (germline): Uncertain significance. Review status: criteria provided, multiple submitters, no conflicts (2 of 4 stars). 2 submissions from 2 submitters: Uncertain significance (2). Last evaluated 2024-12-24.

Allele frequency attached by ClinVar (database versions not stated): gnomAD exomes below 0.00001.
gnomAD v4.1: 1 of 1,593,572 alleles (0.000063%); highest among the groups gnomAD compares: East Asian, 0.0022%; no homozygotes.

Submissions (2):

Labcorp Genetics (formerly Invitae), Labcorp
Classification: Uncertain significance. Last evaluated: 2024-12-24. Review status: criteria provided, single submitter. Criteria: Invitae Variant Classification Sherloc (09022015). Collection method: clinical testing. Allele origin: germline.
Comment: This sequence change replaces serine, which is neutral and polar, with glycine, which is neutral and non-polar, at codon 37 of the POLE2 protein (p.Ser37Gly). This variant is not present in population databases (gnomAD no frequency). This variant has not been reported in the literature in individuals affected with POLE2-related conditions. ClinVar contains an entry for this variant (Variation ID: 2267248). An algorithm developed to predict the effect of missense changes on protein structure and function (PolyPhen-2) suggests that this variant is likely to be tolerated. In summary, the available evidence is currently insufficient to determine the role of this variant in disease. Therefore, it has been classified as a Variant of Uncertain Significance.

Ambry Genetics
Classification: Uncertain significance. Last evaluated: 2021-12-14. Review status: criteria provided, single submitter. Criteria: Ambry Variant Classification Scheme 2023. Collection method: clinical testing. Allele origin: germline.